The following is an entry in ClinVar:

ClinVar aggregate classification (germline): Uncertain significance (1 of 4 stars; one submission).

gnomAD v4.1: 1 of 1,614,108 alleles (0.000062%); highest among the groups gnomAD compares: Non-Finnish European, 0.000085%; no homozygotes.

Submission:

GeneDx
Classification: Uncertain significance. Last evaluated: 2023-05-26. Review status: criteria provided, single submitter. Criteria: GeneDx Variant Classification Process June 2021. Collection method: clinical testing. Allele origin: germline. Affected: yes.
Comment: Not observed at significant frequency in large population cohorts (gnomAD); In silico analysis supports that this missense variant does not alter protein structure/function; Has not been previously published as pathogenic or benign to our knowledge

NM_000748.3(CHRNB2):c.651C>A (p.Asp217Glu)

Gene: CHRNB2 (cholinergic receptor nicotinic beta 2 subunit; plus strand). Cytogenetic location: 1q21.3.
Variant type: single nucleotide variant.
Coding change: c.651C>A on transcript NM_000748.3 (MANE Select); coding-DNA position 651, C replaced by A.
Protein change: p.Asp217Glu; replaces aspartic acid 217 with glutamic acid.
Molecular consequence: missense variant.
Genome position (GRCh38, 1-based): chr1:154,571,474, C>A. VCF-style: chr1-154571474-C-A. GRCh37 (hg19) VCF-style: chr1-154543950-C-A.
Other names: short protein forms D217E.
Identifiers: ClinVar variation 3362184 (VCV003362184.1).